The following is an entry in ClinVar:

ClinVar aggregate classification (germline): Pathogenic (1 of 4 stars; one submission).

Conditions:
REN-related disorder. Also called: REN-related condition.

gnomAD v4.1: 38 of 1,609,280 alleles (0.0024%); highest among the groups gnomAD compares: South Asian, 0.011%; no homozygotes.

Submission:

PreventionGenetics, part of Exact Sciences
Classification: Pathogenic for REN-related condition. Last evaluated: 2025-06-02. Review status: criteria provided, single submitter. Criteria: ACMG Guidelines, 2015. Collection method: clinical testing. Allele origin: germline.
Comment: The REN c.492+1G>A variant is predicted to disrupt the GT donor site and interfere with normal splicing. This variant has been reported in the compound heterozygous and homozygous state in patients with autosomal recessive renal tubular dysgenesis (He et al. 2019. PubMed ID: 31736371; Vora et al. 2020. PubMed ID: 31974414). Variants that disrupt the consensus splice donor site in REN are expected to be pathogenic for the autosomal recessive condition. This variant is reported in 0.016% of alleles in individuals of South Asian descent in gnomAD. This variant is interpreted as pathogenic for autosomal recessive renal tubular dysgenesis. However, for autosomal dominant tubulointerstitial kidney disease (ADTKD), although we suspect this variant could be benign since loss-of-function is not the disease-causing mechanism for REN to ADTKD and it has a relatively high allele frequency for an autosomal dominant condition, at this time, the clinical significance of this variant is uncertain due to the absence of conclusive functional and genetic evidence.

NM_000537.4(REN):c.492+1G>A

Gene: REN (renin; minus strand). Cytogenetic location: 1q32.1.
Variant type: single nucleotide variant.
Coding change: c.492+1G>A on transcript NM_000537.4 (MANE Select); the canonical splice donor site of the intron after coding-DNA position 492, G replaced by A.
Molecular consequence: splice donor variant.
Genome position (GRCh38, 1-based): chr1:204,160,559, C>T on the plus strand (G>A on the coding strand, the complement: REN is on the minus strand). VCF-style: chr1-204160559-C-T. GRCh37 (hg19) VCF-style: chr1-204129687-C-T.
Identifiers: ClinVar variation 4988939 (VCV004988939.1).